The following is an entry in ClinVar:

NM_000884.3(IMPDH2):c.532-5C>T

Gene: IMPDH2 (inosine monophosphate dehydrogenase 2; minus strand). Cytogenetic location: 3p21.31.
Variant type: single nucleotide variant.
Coding change: c.532-5C>T on transcript NM_000884.3 (MANE Select); 5 bases into the intron before coding-DNA position 532, C replaced by T.
Molecular consequence: intron variant.
Genome position (GRCh38, 1-based): chr3:49,027,052, G>A on the plus strand (C>T on the coding strand, the complement: IMPDH2 is on the minus strand). VCF-style: chr3-49027052-G-A. GRCh37 (hg19) VCF-style: chr3-49064485-G-A.
Other names: c.457-5C>T (NM_001410761.1, NM_001410760.1); c.532-5C>T (NM_001410759.1).
Identifiers: ClinVar variation 3051076 (VCV003051076.2), dbSNP rs371762701, ClinGen allele CA2390665.

ClinVar aggregate classification (germline): Likely benign (0 of 4 stars; one submission).

Conditions:
IMPDH2-related disorder. Also called: IMPDH2-related condition. Identifiers: MedGen CN382316, MONDO:1060248.

Allele frequency attached by ClinVar (database versions not stated): ExAC 0.00012; gnomAD 0.00024; TOPMed 0.00028; 1000 Genomes Project 30x 0.00031; ESP Exome Variant Server 0.00031; 1000 Genomes Project 0.00040.
gnomAD v4.1: 74 of 1,605,476 alleles (0.0046%); highest among the groups gnomAD compares: African/African-American, 0.069%; 1 homozygote.

Submission:

PreventionGenetics, part of Exact Sciences
Classification: Likely benign for IMPDH2-related condition. Last evaluated: 2020-02-14. Review status: no assertion criteria provided. Collection method: clinical testing. Allele origin: germline.
Comment: This variant is classified as likely benign based on ACMG/AMP sequence variant interpretation guidelines (Richards et al. 2015 PMID: 25741868, with internal and published modifications).